The following is an entry in ClinVar:

ClinVar aggregate classification (germline): Uncertain significance. Review status: criteria provided, multiple submitters, no conflicts (2 of 4 stars). 2 submissions from 2 submitters: Uncertain significance (2). Last evaluated 2026-07-05.

Conditions:
Hereditary cancer-predisposing syndrome. Also called: Hereditary Cancer Syndrome; Hereditary neoplastic syndrome; Neoplastic Syndromes, Hereditary; Tumor predisposition. Identifiers: Orphanet 140162, MedGen C0027672, MeSH D009386, MONDO:0015356.

Submissions (2):

Ambry Genetics
Classification: Uncertain significance for Hereditary cancer-predisposing syndrome. Last evaluated: 2026-07-05. Review status: criteria provided, single submitter. Criteria: Ambry Variant Classification Scheme 2023. Collection method: clinical testing. Allele origin: germline.
Comment: The p.S254R variant (also known as c.762C>A), located in coding exon 2 of the HOXB13 gene, results from a C to A substitution at nucleotide position 762. The serine at codon 254 is replaced by arginine, an amino acid with dissimilar properties. This amino acid position is conserved. In addition, the in silico prediction for this alteration is inconclusive. Based on the available evidence, the clinical significance of this variant remains unclear.

Labcorp Genetics (formerly Invitae), Labcorp
Classification: Uncertain significance. Last evaluated: 2025-03-16. Review status: criteria provided, single submitter. Criteria: Invitae Variant Classification Sherloc (09022015). Collection method: clinical testing. Allele origin: germline.
Comment: This sequence change replaces serine, which is neutral and polar, with arginine, which is basic and polar, at codon 254 of the HOXB13 protein (p.Ser254Arg). This variant is not present in population databases (gnomAD no frequency). This variant has not been reported in the literature in individuals affected with HOXB13-related conditions. Invitae Evidence Modeling of protein sequence and biophysical properties (such as structural, functional, and spatial information, amino acid conservation, physicochemical variation, residue mobility, and thermodynamic stability) indicates that this missense variant is not expected to disrupt HOXB13 protein function with a negative predictive value of 80%. In summary, the available evidence is currently insufficient to determine the role of this variant in disease. Therefore, it has been classified as a Variant of Uncertain Significance.

NM_006361.6(HOXB13):c.762C>A (p.Ser254Arg)

Gene: HOXB13 (homeobox B13; minus strand). Cytogenetic location: 17q21.32.
Variant type: single nucleotide variant.
Coding change: c.762C>A on transcript NM_006361.6 (MANE Select); coding-DNA position 762, C replaced by A.
Protein change: p.Ser254Arg; replaces serine 254 with arginine.
Molecular consequence: missense variant.
Genome position (GRCh38, 1-based): chr17:48,726,883, G>T on the plus strand (C>A on the coding strand, the complement: HOXB13 is on the minus strand). VCF-style: chr17-48726883-G-T. GRCh37 (hg19) VCF-style: chr17-46804245-G-T.
Other names: short protein forms S254R.
Identifiers: ClinVar variation 4759894 (VCV004759894.2).